The following is an entry in ClinVar:

NM_006267.5(RANBP2):c.1798G>C (p.Gly600Arg)

Gene: RANBP2 (RAN binding protein 2; plus strand). Cytogenetic location: 2q13.
Variant type: single nucleotide variant.
Coding change: c.1798G>C on transcript NM_006267.5 (MANE Select); coding-DNA position 1798, G replaced by C.
Protein change: p.Gly600Arg; replaces glycine 600 with arginine.
Molecular consequence: missense variant.
Genome position (GRCh38, 1-based): chr2:108,753,040, G>C. VCF-style: chr2-108753040-G-C. GRCh37 (hg19) VCF-style: chr2-109369496-G-C.
Other names: c.1798G>C, p.Gly600Arg (NM_001415871.1, NM_001415873.1); c.1795G>C, p.Gly599Arg (NM_001415872.1); short protein forms G600R, G599R.
Identifiers: ClinVar variation 2130069 (VCV002130069.4), dbSNP rs2149230160, ClinGen allele CA348051330.

ClinVar aggregate classification (germline): Uncertain significance (1 of 4 stars; one submission).

Conditions:
Familial acute necrotizing encephalopathy (IIAE3). Also called: ENCEPHALOPATHY, ACUTE, INFECTION-INDUCED, SUSCEPTIBILITY TO, 3; Susceptibility to Acute Necrotizing Encephalopathy 1. Identifiers: Orphanet 88619, MedGen C2675556, MONDO:0011953, OMIM 608033.

Submission:

Labcorp Genetics (formerly Invitae), Labcorp
Classification: Uncertain significance for Familial acute necrotizing encephalopathy. Last evaluated: 2022-04-24. Review status: criteria provided, single submitter. Criteria: Invitae Variant Classification Sherloc (09022015). Collection method: clinical testing. Allele origin: germline.
Comment: This variant has not been reported in the literature in individuals affected with RANBP2-related conditions. In summary, the available evidence is currently insufficient to determine the role of this variant in disease. Therefore, it has been classified as a Variant of Uncertain Significance. Algorithms developed to predict the effect of missense changes on protein structure and function are either unavailable or do not agree on the potential impact of this missense change (SIFT: "Deleterious"; PolyPhen-2: "Benign"; Align-GVGD: "Class C65"). This variant is not present in population databases (gnomAD no frequency). This sequence change replaces glycine, which is neutral and non-polar, with arginine, which is basic and polar, at codon 600 of the RANBP2 protein (p.Gly600Arg).